The following is an entry in ClinVar:

NM_001164508.2(NEB):c.18160G>A (p.Val6054Ile)

Gene: NEB (nebulin; minus strand). Cytogenetic location: 2q23.3.
Variant type: single nucleotide variant.
Coding change: c.18160G>A on transcript NM_001164508.2 (MANE Select); coding-DNA position 18160, G replaced by A.
Protein change: p.Val6054Ile; replaces valine 6054 with isoleucine.
Molecular consequence: missense variant.
Genome position (GRCh38, 1-based): chr2:151,565,817, C>T on the plus strand (G>A on the coding strand, the complement: NEB is on the minus strand). VCF-style: chr2-151565817-C-T. GRCh37 (hg19) VCF-style: chr2-152422331-C-T.
Other names: c.18160G>A, p.Val6054Ile (NM_001164507.2, NM_001271208.2); c.13057G>A, p.Val4353Ile (NM_004543.5); short protein forms V4353I, V6054I.
Identifiers: ClinVar variation 1440840 (VCV001440840.3), dbSNP rs975134897, ClinGen allele CA57659276.

ClinVar aggregate classification (germline): Uncertain significance (1 of 4 stars; one submission).

Conditions:
Nemaline myopathy 2 (NEM2). Also called: Nemaline myopathy 2, autosomal recessive. Identifiers: MedGen C1850569, MONDO:0009725, OMIM 256030.

Allele frequency attached by ClinVar (database versions not stated): gnomAD exomes below 0.00001.
gnomAD v4.1: 6 of 1,603,792 alleles (0.00037%); highest among the groups gnomAD compares: Admixed American, 0.0068%; no homozygotes.

Submission:

Labcorp Genetics (formerly Invitae), Labcorp
Classification: Uncertain significance for Nemaline myopathy 2. Last evaluated: 2022-04-17. Review status: criteria provided, single submitter. Criteria: Invitae Variant Classification Sherloc (09022015). Collection method: clinical testing. Allele origin: germline.
Comment: This sequence change replaces valine, which is neutral and non-polar, with isoleucine, which is neutral and non-polar, at codon 6054 of the NEB protein (p.Val6054Ile). The frequency data for this variant in the population databases is considered unreliable, as metrics indicate poor data quality at this position in the gnomAD database. This variant has not been reported in the literature in individuals affected with NEB-related conditions. Algorithms developed to predict the effect of missense changes on protein structure and function output the following: SIFT: "Tolerated"; PolyPhen-2: "Not Available"; Align-GVGD: "Class C0". The isoleucine amino acid residue is found in multiple mammalian species, which suggests that this missense change does not adversely affect protein function. In summary, the available evidence is currently insufficient to determine the role of this variant in disease. Therefore, it has been classified as a Variant of Uncertain Significance.